The following is an entry in ClinVar:

NM_014780.5(CUL7):c.2741G>A (p.Ser914Asn)

Gene: CUL7 (cullin 7; minus strand). Cytogenetic location: 6p21.1.
Variant type: single nucleotide variant.
Coding change: c.2741G>A on transcript NM_014780.5 (MANE Select); coding-DNA position 2741, G replaced by A.
Protein change: p.Ser914Asn; replaces serine 914 with asparagine.
Molecular consequence: missense variant.
Genome position (GRCh38, 1-based): chr6:43,046,011, C>T on the plus strand (G>A on the coding strand, the complement: CUL7 is on the minus strand). VCF-style: chr6-43046011-C-T. GRCh37 (hg19) VCF-style: chr6-43013749-C-T.
Other names: c.2837G>A, p.Ser946Asn (NM_001168370.2, NM_001374872.1); c.2741G>A, p.Ser914Asn (NM_001374873.1, NM_001374874.1); short protein forms S946N, S914N.
Identifiers: ClinVar variation 4770357 (VCV004770357.1).

ClinVar aggregate classification (germline): Uncertain significance (1 of 4 stars; one submission).

Submission:

Labcorp Genetics (formerly Invitae), Labcorp
Classification: Uncertain significance. Last evaluated: 2025-06-30. Review status: criteria provided, single submitter. Criteria: Invitae Variant Classification Sherloc (09022015). Collection method: clinical testing. Allele origin: germline.
Comment: This sequence change replaces serine, which is neutral and polar, with asparagine, which is neutral and polar, at codon 914 of the CUL7 protein (p.Ser914Asn). This variant is not present in population databases (gnomAD no frequency). This variant has not been reported in the literature in individuals affected with CUL7-related conditions. Invitae Evidence Modeling of protein sequence and biophysical properties (such as structural, functional, and spatial information, amino acid conservation, physicochemical variation, residue mobility, and thermodynamic stability) indicates that this missense variant is not expected to disrupt CUL7 protein function with a negative predictive value of 80%. In summary, the available evidence is currently insufficient to determine the role of this variant in disease. Therefore, it has been classified as a Variant of Uncertain Significance.